The following is an entry in ClinVar:

NM_001330288.2(SMARCC2):c.1926+2T>C

Gene: SMARCC2 (SWI/SNF related BAF chromatin remodeling complex subunit C2; minus strand). Cytogenetic location: 12q13.2.
Variant type: single nucleotide variant.
Coding change: c.1926+2T>C on transcript NM_001330288.2 (MANE Select); the canonical splice donor site of the intron after coding-DNA position 1926, T replaced by C.
Molecular consequence: splice donor variant.
Genome position (GRCh38, 1-based): chr12:56,172,426, A>G on the plus strand (T>C on the coding strand, the complement: SMARCC2 is on the minus strand). VCF-style: chr12-56172426-A-G. GRCh37 (hg19) VCF-style: chr12-56566210-A-G.
Other names: IVS19, T-C, +2; c.1833+2T>C (NM_003075.5); c.1926+2T>C (NM_139067.4, NM_001130420.3).
Identifiers: ClinVar variation 623247 (VCV000623247.5), dbSNP rs1565903353, ClinGen allele CA385344740.

ClinVar aggregate classification (germline): Pathogenic/Likely pathogenic. Review status: criteria provided, multiple submitters, no conflicts (2 of 4 stars). 3 submissions from 3 submitters: Pathogenic (1); Likely pathogenic (1). 1 of the submissions does not count toward it. Last evaluated 2023-04-20.

Conditions:
Coffin-Siris syndrome 8. Identifiers: MedGen C5193054, MONDO:0032702, OMIM 618362.

Submissions (3):

Duke University Health System Sequencing Clinic, Duke University Health System
Classification: Pathogenic for Coffin-Siris syndrome 8. Last evaluated: 2023-04-20. Review status: criteria provided, single submitter. Criteria: ACMG Guidelines, 2015. Collection method: research. Allele origin: de novo. Affected: yes.

Juno Genomics, Hangzhou Juno Genomics, Inc
Classification: Likely pathogenic for Coffin-Siris syndrome 8. Review status: criteria provided, single submitter. Criteria: ACMG Guidelines, 2015. Collection method: clinical testing. Allele origin: germline. Affected: yes.
Comment: Null variant in a gene where loss of function (LOF) is a known mechanism of disease.;Absent from controls (or at extremely low frequency if recessive) in Genome Aggregation Database, Exome Sequencing Project, 1000 Genomes Project, or Exome Aggregation Consortium.;Assumed de novo, but without confirmation of paternity and maternity.;The prevalence of the variant in affected individuals is significantly increased compared to the prevalence in controls.

OMIM
Classification: Pathogenic for COFFIN-SIRIS SYNDROME 8. Last evaluated: 2015-01-15. Review status: no assertion criteria provided. Collection method: literature only. Allele origin: germline. Not counted in ClinVar's aggregate classification.

Literature cited by the submitters: PubMed 25590979 (cited by Duke University Health System Sequencing Clinic, Duke University Health System and OMIM); PubMed 30580808 (cited by Duke University Health System Sequencing Clinic, Duke University Health System and OMIM).